The following is an entry in ClinVar:

ClinVar aggregate classification (germline): Pathogenic/Likely pathogenic. Review status: criteria provided, multiple submitters, no conflicts (2 of 4 stars). 22 submissions from 22 submitters: Pathogenic (18); Likely pathogenic (1). 3 of the submissions do not count toward it. Last evaluated 2026-09-21.

Conditions:
MPZL2-related disorder. Also called: MPZL2-related condition.
Monogenic hearing loss.
Hearing loss, autosomal recessive 111. Also called: DEAFNESS, AUTOSOMAL RECESSIVE 111. Identifiers: MedGen C4748374, MONDO:0029142, OMIM 618145.
Hearing loss, autosomal recessive. Also called: Deafness, autosomal recessive; Rare autosomal recessive non-syndromic sensorineural deafness type DFNB; Autosomal recessive nonsyndromic deafness; Nonsyndromic Hearing Loss, Recessive. Identifiers: Orphanet 90635, Orphanet 90636, MedGen C1846647, MONDO:0019588, OMIM 607197.

Allele frequency attached by ClinVar (database versions not stated): gnomAD exomes 0.00068 and 0.00081; gnomAD 0.00069 and 0.00067; ESP Exome Variant Server 0.00152; ExAC 0.00082; TOPMed 0.00068.

Submissions (22):

PreventionGenetics, part of Exact Sciences
Classification: Pathogenic for MPZL2-related condition. Last evaluated: 2026-09-21. Review status: criteria provided, single submitter. Criteria: ACMG Guidelines, 2015. Collection method: clinical testing. Allele origin: germline.
Comment: The MPZL2 c.72delA variant is predicted to result in a frameshift and premature protein termination (p.Ile24Metfs*22). This variant has been reported in patients with autosomal recessive hearing loss (Bademci et al. 2018. PubMed ID: 29982980; Wesdorp et al. 2018. PubMed ID: 29961571; Safka Brozkova et al. 2021. PubMed ID: 34062854). This variant is reported in 0.38% of alleles in individuals of Ashkenazi Jewish descent in gnomAD. Frameshift variants in MPZL2 are expected to be pathogenic. This variant is interpreted as pathogenic.

CeGaT Center for Human Genetics Tuebingen
Classification: Pathogenic. Last evaluated: 2026-09-01. Review status: criteria provided, single submitter. Criteria: CeGaT Center For Human Genetics Tuebingen Variant Classification Criteria Version 2. Collection method: clinical testing. Allele origin: germline. Affected: yes. Observed: 3 variant alleles.
Comment: MPZL2: PM3:Very Strong, PVS1, PP1:Strong, PM2

Genetics Laboratory, Great Ormond Street Hospital NHS Foundation Trust, North Thames Genomic Laboratory Hub
Classification: Pathogenic for Monogenic hearing loss. Last evaluated: 2026-02-06. Review status: criteria provided, single submitter. Criteria: ACGS Best Practice Guidelines for Variant Classification in Rare Disease 2024 v1.2. Collection method: clinical testing. Allele origin: germline. Affected: yes.
Comment: PVS1_very-strong, PP1_strong

GeneDx
Classification: Pathogenic. Last evaluated: 2025-09-06. Review status: criteria provided, single submitter. Criteria: GeneDx Variant Classification Process June 2021. Collection method: clinical testing. Allele origin: germline. Affected: yes.
Comment: Frameshift variant predicted to result in protein truncation or nonsense mediated decay in a gene for which loss of function is a known mechanism of disease; This variant is associated with the following publications: (PMID: 29961571, 29982980, 34426522, 34062854, 33234333, 38197511, 33594163, 36147510, 35599849, 38254107, 35717579, 39498320, 38523675, 27535533)

Variantyx, Inc.
Classification: Pathogenic for Hearing loss, autosomal recessive 111. Last evaluated: 2025-08-22. Review status: criteria provided, single submitter. Criteria: Variantyx Assertion Criteria 2022. Collection method: clinical testing. Allele origin: germline. Inheritance: Autosomal recessive inheritance.
Comment: This is a frameshift variant in the MPZL2 gene (OMIM: 604873). Pathogenic variants in this gene have been associated with autosomal recessive hearing loss 111. This variant introduces a premature termination codon in exon 2 out of 6 and is expected to result in loss of function, which is a known disease mechanism for MPZL2 in this disorder (PVS1). This variant has been identified in the homozygous or compound heterozygous state in the current proband, many unrelated individuals reported in the published literature (PMID: 29982980, 29961571), and previous internal cases (PM3_Strong and it has been observed to segregate with disease in at least 10 individuals from 6 families (PMID: 29961571, 29982980) (PP1). It has a 0.0774% maximum allele frequency in non-founder control populations (PM2). Based on the current evidence, this variant is classified as pathogenic for autosomal recessive hearing loss 111.

Institute of Human Genetics, University of Leipzig Medical Center
Classification: Pathogenic for Hearing loss, autosomal recessive 111. Last evaluated: 2025-08-14. Review status: criteria provided, single submitter. Criteria: ACMG Guidelines, 2015. Collection method: clinical testing. Allele origin: unknown. Inheritance: Autosomal recessive inheritance. Affected: yes.
Comment: Criteria applied: PM3_VSTR,PVS1_STR,PP1

Laboratory of Genetics, Children's Clinical University Hospital Latvia
Classification: Pathogenic. Last evaluated: 2025-02-16. Review status: criteria provided, single submitter. Criteria: ACMG Guidelines, 2015. Collection method: clinical testing. Allele origin: germline. Affected: yes.

Blueprint Genetics
Classification: Pathogenic for MPZL2-related disorders. Last evaluated: 2024-11-26. Review status: criteria provided, single submitter. Criteria: ACMG Guidelines, 2015. Collection method: clinical testing. Allele origin: germline. Affected: yes. Observed: 5 variant alleles.

Revvity Omics, Revvity
Classification: Pathogenic for Hearing loss, autosomal recessive 111. Last evaluated: 2024-06-12. Review status: criteria provided, single submitter. Criteria: ACMG Guidelines, 2015. Collection method: clinical testing. Allele origin: germline.

Laboratory of Human Genetics, Universidade de São Paulo
Classification: Pathogenic for Hearing loss, autosomal recessive. Last evaluated: 2024-05-01. Review status: criteria provided, single submitter. Criteria: ClinGen HL ACMG Specifications v1. Collection method: research. Allele origin: biparental. Affected: yes. Observed: 1 variant allele.

Labcorp Genetics (formerly Invitae), Labcorp
Classification: Pathogenic. Last evaluated: 2024-01-18. Review status: criteria provided, single submitter. Criteria: Invitae Variant Classification Sherloc (09022015). Collection method: clinical testing. Allele origin: germline.
Comment: This sequence change creates a premature translational stop signal (p.Ile24Metfs*22) in the MPZL2 gene. It is expected to result in an absent or disrupted protein product. However, the current clinical and genetic evidence is not sufficient to establish whether loss-of-function variants in MPZL2 cause disease. This variant is present in population databases (rs752672077, gnomAD 0.4%), and has an allele count higher than expected for a pathogenic variant. This premature translational stop signal has been observed in individual(s) with nonsyndromic hearing loss (PMID: 29961571, 29982980). It has also been observed to segregate with disease in related individuals. ClinVar contains an entry for this variant (Variation ID: 585268). For these reasons, this variant has been classified as Pathogenic.

Laboratory of Medical Genetics, National & Kapodistrian University of Athens
Classification: Pathogenic for Hearing loss, autosomal recessive 111. Last evaluated: 2023-12-04. Review status: criteria provided, single submitter. Criteria: ACMG Guidelines, 2015. Collection method: clinical testing. Allele origin: germline. Affected: yes.
Comment: PVS1, PM2, PP4, PP5 - The variant is expected to result in an absent or disrupted protein product. Low frequency in gnomAD population databases. This variant has been previously reported as causative for Deafness. (PMID:33234333).

Department of Pathology and Laboratory Medicine, Sinai Health System
Classification: Pathogenic for Hearing loss, autosomal recessive 111. Last evaluated: 2023-10-16. Review status: criteria provided, single submitter. Criteria: ACMG Guidelines, 2015. Collection method: research. Allele origin: germline.

Women's Health and Genetics/Laboratory Corporation of America, LabCorp
Classification: Pathogenic for Hearing loss, autosomal recessive 111. Last evaluated: 2022-06-06. Review status: criteria provided, single submitter. Criteria: LabCorp Variant Classification Summary - May 2015. Collection method: clinical testing. Allele origin: germline.
Comment: Variant summary: MPZL2 c.72delA (p.Ile24MetfsX22) results in a premature termination codon, predicted to cause a truncation of the encoded protein or absence of the protein due to nonsense mediated decay, which are commonly known mechanisms for disease. Truncations downstream of this position have been associated with Hearing Loss in HGMD. The variant allele was found at a frequency of 0.00081 in 250850 control chromosomes (gnomAD). c.72delA has been reported in the literature in multiple homozygous individuals affected with Hearing Loss, Autosomal Recessive 111 and seggregated with the disease (example: Bademci_2018). These data indicate that the variant is very likely to be associated with disease. Six submitters provided clinical-significance assessments for this variant to ClinVar after 2014 and classified the variant as pathogenic (n=5) and likely pathogenic (n=1). Based on the evidence outlined above, the variant was classified as pathogenic.

Department of Human Genetics, Hannover Medical School
Classification: Pathogenic for Hearing loss, autosomal recessive 111. Last evaluated: 2022-02-24. Review status: criteria provided, single submitter. Criteria: ACMG Guidelines, 2015. Collection method: clinical testing. Allele origin: germline. Inheritance: Autosomal recessive inheritance. Affected: yes.

MGZ Medical Genetics Center
Classification: Pathogenic for Hearing loss, autosomal recessive 111. Last evaluated: 2021-10-21. Review status: criteria provided, single submitter. Criteria: ACMG Guidelines, 2015. Collection method: clinical testing. Allele origin: germline. Affected: yes. Observed: 1 variant allele.
Comment: ACMG criteria applied: PVS1, PM3, PM2_SUP, PP1

Neurogenetic Laboratory, Second Faculty of Medicine, Charles University
Classification: Likely pathogenic for Hearing loss, autosomal recessive 111. Last evaluated: 2021-03-30. Review status: criteria provided, single submitter. Criteria: ClinGen HL ACMG Specifications v1. Collection method: clinical testing. Allele origin: germline. Affected: yes.

Baylor Genetics
Classification: Pathogenic for Hearing loss, autosomal recessive 111. Last evaluated: 2018-11-30. Review status: criteria provided, single submitter. Criteria: ACMG Guidelines, 2015. Collection method: clinical testing. Allele origin: maternal. Affected: yes.
Comment: This variant was determined to be pathogenic according to ACMG Guidelines, 2015 [PMID:25741868]. This variant has been previously reported as disease-causing in multiple consanguineous families with slowly progressive, moderate to severe hearing loss [PMID 29982980, 29961571]

Clinical Genetics Service, Universitary Hospital 12 de Octubre
Classification: Pathogenic for Hearing loss, autosomal recessive 111. Review status: criteria provided, single submitter. Criteria: ACMG Guidelines, 2015. Collection method: clinical testing. Allele origin: germline. Affected: yes.

OMIM
Classification: Pathogenic for DEAFNESS, AUTOSOMAL RECESSIVE 111. Last evaluated: 2019-02-22. Review status: no assertion criteria provided. Collection method: literature only. Allele origin: germline. Not counted in ClinVar's aggregate classification.

Clinical Genetics DNA and cytogenetics Diagnostics Lab, Erasmus MC, Erasmus Medical Center
Classification: Pathogenic. Review status: no assertion criteria provided. Collection method: clinical testing. Allele origin: germline. Affected: yes. Study: VKGL Data-share Consensus. Not counted in ClinVar's aggregate classification.

Joint Genome Diagnostic Labs from Nijmegen and Maastricht, Radboudumc and MUMC+
Classification: Pathogenic. Review status: no assertion criteria provided. Collection method: clinical testing. Allele origin: germline. Affected: yes. Study: VKGL Data-share Consensus. Not counted in ClinVar's aggregate classification.

Literature cited by the submitters: PubMed 29961571 (cited by 4 submitters); PubMed 29982980 (cited by 5 submitters).

NM_005797.4(MPZL2):c.72del (p.Ile24fs)

Gene: MPZL2 (myelin protein zero like 2; minus strand). Cytogenetic location: 11q23.3.
Variant type: Deletion.
Coding change: c.72del on transcript NM_005797.4 (MANE Select); coding-DNA position 72, one base deleted (A; older notation c.72delA).
Protein change: p.Ile24fs; shifts the reading frame from isoleucine 24.
Molecular consequence: frameshift variant.
Genome position (GRCh38, 1-based): chr11:118,263,084, T deleted on the plus strand (A on the coding strand, the reverse complement: MPZL2 is on the minus strand). VCF-style (leftmost placement, unchanged base first): chr11-118263083-CT-C. GRCh37 (hg19) VCF-style: chr11-118133798-CT-C.
Other names: c.72del, p.Ile24fs (NM_144765.3); c.72delA (NM_144765.2); short protein forms I24fs.
Identifiers: ClinVar variation 585268 (VCV000585268.51), dbSNP rs752672077, ClinGen allele CA6301478.